The following is an entry in ClinVar:

NM_001933.5(DLST):c.911A>G (p.Asp304Gly)

Gene: DLST (dihydrolipoamide S-succinyltransferase; plus strand). Cytogenetic location: 14q24.3.
Variant type: single nucleotide variant.
Coding change: c.911A>G on transcript NM_001933.5 (MANE Select); coding-DNA position 911, A replaced by G.
Protein change: p.Asp304Gly; replaces aspartic acid 304 with glycine.
Molecular consequence: missense variant. On other transcripts: non-coding transcript variant (2).
Genome position (GRCh38, 1-based): chr14:74,899,932, A>G. VCF-style: chr14-74899932-A-G. GRCh37 (hg19) VCF-style: chr14-75366635-A-G.
Other names: short protein forms D304G.
Identifiers: ClinVar variation 2440812 (VCV002440812.5), dbSNP rs148617142, ClinGen allele CA7273690.

ClinVar aggregate classification (germline): Uncertain significance. Review status: criteria provided, multiple submitters, no conflicts (2 of 4 stars). 3 submissions from 3 submitters: Uncertain significance (3). Last evaluated 2025-07-29.

Conditions:
Pheochromocytoma/paraganglioma syndrome 7. Also called: Paragangliomas 7. Identifiers: MedGen C5193116, MONDO:0032771, OMIM 618475.
Hereditary pheochromocytoma and paraganglioma. Also called: Hereditary paragangliomas and pheochromocytomas; Hereditary Paraganglioma-Pheochromocytoma Syndromes; Hereditary pheochromocytoma-paraganglioma. Identifiers: Orphanet 29072, MedGen C4274332, MONDO:0017366.

Allele frequency attached by ClinVar (database versions not stated): ExAC 0.00006; gnomAD 0.00010; TOPMed 0.00012; ESP Exome Variant Server 0.00023; gnomAD exomes 0.00023.
gnomAD v4.1: 339 of 1,612,786 alleles (0.021%); highest among the groups gnomAD compares: Non-Finnish European, 0.028%; no homozygotes.

Submissions (3):

Labcorp Genetics (formerly Invitae), Labcorp
Classification: Uncertain significance. Last evaluated: 2025-07-29. Review status: criteria provided, single submitter. Criteria: Invitae Variant Classification Sherloc (09022015). Collection method: clinical testing. Allele origin: germline.
Comment: This sequence change replaces aspartic acid, which is acidic and polar, with glycine, which is neutral and non-polar, at codon 304 of the DLST protein (p.Asp304Gly). This variant is present in population databases (rs148617142, gnomAD 0.01%). This variant has not been reported in the literature in individuals affected with DLST-related conditions. ClinVar contains an entry for this variant (Variation ID: 2440812). Invitae Evidence Modeling of protein sequence and biophysical properties (such as structural, functional, and spatial information, amino acid conservation, physicochemical variation, residue mobility, and thermodynamic stability) indicates that this missense variant is not expected to disrupt DLST protein function with a negative predictive value of 80%. In summary, the available evidence is currently insufficient to determine the role of this variant in disease. Therefore, it has been classified as a Variant of Uncertain Significance.

Revvity Omics, Revvity
Classification: Uncertain significance for Pheochromocytoma/paraganglioma syndrome 7. Last evaluated: 2022-08-19. Review status: criteria provided, single submitter. Criteria: ACMG Guidelines, 2015. Collection method: clinical testing. Allele origin: germline.

Department of Pathology and Laboratory Medicine, Sinai Health System
Classification: Uncertain significance for hereditary pheochromocytoma-paraganglioma. Last evaluated: 2021-07-30. Review status: criteria provided, single submitter. Criteria: ACMG Guidelines, 2015. Collection method: research. Allele origin: germline.